The following is an entry in ClinVar:

NM_001042545.2(LTBP4):c.2944+1G>C

Gene: LTBP4 (latent transforming growth factor beta binding protein 4; plus strand). Cytogenetic location: 19q13.2.
Variant type: single nucleotide variant.
Coding change: c.2944+1G>C on transcript NM_001042545.2 (MANE Select); the canonical splice donor site of the intron after coding-DNA position 2944, G replaced by C.
Molecular consequence: splice donor variant.
Genome position (GRCh38, 1-based): chr19:40,617,021, G>C. VCF-style: chr19-40617021-G-C. GRCh37 (hg19) VCF-style: chr19-41122927-G-C.
Other names: c.3034+1G>C (NM_003573.2); c.3145+1G>C (NM_001042544.1).
Identifiers: ClinVar variation 1995809 (VCV001995809.4), dbSNP rs750698494, ClinGen allele CA405940376.

ClinVar aggregate classification (germline): Likely pathogenic (1 of 4 stars; one submission).

gnomAD v4.1: 1 of 1,612,908 alleles (0.000062%); highest among the groups gnomAD compares: African/African-American, 0.0013%; no homozygotes.

Submission:

Labcorp Genetics (formerly Invitae), Labcorp
Classification: Likely pathogenic. Last evaluated: 2022-05-17. Review status: criteria provided, single submitter. Criteria: Invitae Variant Classification Sherloc (09022015). Collection method: clinical testing. Allele origin: germline.
Comment: This variant has not been reported in the literature in individuals affected with LTBP4-related conditions. In summary, the currently available evidence indicates that the variant is pathogenic, but additional data are needed to prove that conclusively. Therefore, this variant has been classified as Likely Pathogenic. Algorithms developed to predict the effect of sequence changes on RNA splicing suggest that this variant may disrupt the consensus splice site. This variant is not present in population databases (gnomAD no frequency). This sequence change affects a donor splice site in intron 23 of the LTBP4 gene. It is expected to disrupt RNA splicing. Variants that disrupt the donor or acceptor splice site typically lead to a loss of protein function (PMID: 16199547), and loss-of-function variants in LTBP4 are known to be pathogenic (PMID: 19836010, 22829427).

Literature cited by the submitters: PubMed 16199547; PubMed 19836010; PubMed 22829427.